The following is an entry in ClinVar:

NM_024757.5(EHMT1):c.2405G>C (p.Cys802Ser)

Gene: EHMT1 (euchromatic histone lysine methyltransferase 1; plus strand). Cytogenetic location: 9q34.3.
Variant type: single nucleotide variant.
Coding change: c.2405G>C on transcript NM_024757.5 (MANE Select); coding-DNA position 2405, G replaced by C.
Protein change: p.Cys802Ser; replaces cysteine 802 with serine.
Molecular consequence: missense variant.
Genome position (GRCh38, 1-based): chr9:137,790,870, G>C. VCF-style: chr9-137790870-G-C. GRCh37 (hg19) VCF-style: chr9-140685322-G-C.
Other names: c.2312G>C, p.Cys771Ser (NM_001354259.2); c.2384G>C, p.Cys795Ser (NM_001354263.2); short protein forms C771S, C795S, C802S.
Identifiers: ClinVar variation 1700796 (VCV001700796.11), dbSNP rs763767150, ClinGen allele CA5374942.

ClinVar aggregate classification (germline): Conflicting classifications of pathogenicity. Review status: criteria provided, conflicting classifications (1 of 4 stars). 5 submissions from 5 submitters: Uncertain significance (3); Benign (1); Likely benign (1). Last evaluated 2025-11-15.

Conditions:
Inborn genetic diseases. Identifiers: MedGen C0950123, MeSH D030342.
Kleefstra syndrome 1 (KLEFS1). Identifiers: Orphanet 261494, MedGen C0795833, MONDO:0027407, OMIM 610253.

Allele frequency attached by ClinVar (database versions not stated): gnomAD exomes 0.00002 and 0.00004; ExAC 0.00002.
gnomAD v4.1: 62 of 1,613,984 alleles (0.0038%); highest among the groups gnomAD compares: Non-Finnish European, 0.0053%; no homozygotes.

Submissions (5):

Labcorp Genetics (formerly Invitae), Labcorp
Classification: Uncertain significance for Kleefstra syndrome 1. Last evaluated: 2025-11-15. Review status: criteria provided, single submitter. Criteria: Invitae Variant Classification Sherloc (09022015). Collection method: clinical testing. Allele origin: germline.
Comment: This sequence change replaces cysteine, which is neutral and slightly polar, with serine, which is neutral and polar, at codon 802 of the EHMT1 protein (p.Cys802Ser). This variant is present in population databases (rs763767150, gnomAD 0.004%). This variant has not been reported in the literature in individuals affected with EHMT1-related conditions. ClinVar contains an entry for this variant (Variation ID: 1700796). Invitae Evidence Modeling of protein sequence and biophysical properties (such as structural, functional, and spatial information, amino acid conservation, physicochemical variation, residue mobility, and thermodynamic stability) indicates that this missense variant is not expected to disrupt EHMT1 protein function with a negative predictive value of 80%. In summary, the available evidence is currently insufficient to determine the role of this variant in disease. Therefore, it has been classified as a Variant of Uncertain Significance.

Ambry Genetics
Classification: Likely benign for Inborn genetic diseases. Last evaluated: 2025-01-27. Review status: criteria provided, single submitter. Criteria: Ambry Variant Classification Scheme 2023. Collection method: clinical testing. Allele origin: germline.

GeneDx
Classification: Uncertain significance. Last evaluated: 2022-08-12. Review status: criteria provided, single submitter. Criteria: GeneDx Variant Classification Process June 2021. Collection method: clinical testing. Allele origin: germline. Affected: yes.
Comment: In silico analysis supports that this missense variant has a deleterious effect on protein structure/function; Has not been previously published as pathogenic or benign to our knowledge

Revvity Omics, Revvity
Classification: Uncertain significance for Kleefstra syndrome 1. Last evaluated: 2021-08-16. Review status: criteria provided, single submitter. Criteria: ACMG Guidelines, 2015. Collection method: clinical testing. Allele origin: germline.

Laboratory of Genetics, Children's Clinical University Hospital Latvia
Classification: Benign for Kleefstra syndrome 1. Review status: criteria provided, single submitter. Criteria: ACMG Guidelines, 2015. Collection method: curation. Allele origin: germline. Affected: yes.
Comment: Inheritance unknown

Literature cited by the submitters: PubMed 39013458 (cited by Laboratory of Genetics, Children's Clinical University Hospital Latvia).